The following is an entry in ClinVar:

NM_198252.3(GSN):c.622C>T (p.His208Tyr)

Gene: GSN (gelsolin; plus strand). Cytogenetic location: 9q33.2.
Variant type: single nucleotide variant.
Coding change: c.622C>T on transcript NM_198252.3 (MANE Select); coding-DNA position 622, C replaced by T.
Protein change: p.His208Tyr; replaces histidine 208 with tyrosine.
Molecular consequence: missense variant. On other transcripts: 5 prime UTR variant (1).
Genome position (GRCh38, 1-based): chr9:121,312,447, C>T. VCF-style: chr9-121312447-C-T. GRCh37 (hg19) VCF-style: chr9-124074725-C-T.
Other names: c.775C>T, p.His259Tyr (NM_000177.5); c.622C>T, p.His208Tyr (NM_001127662.2, NM_001127664.2, NM_001127665.2 and 10 more transcripts); c.730C>T, p.His244Tyr (NM_001127663.2); c.655C>T, p.His219Tyr (NM_001127666.2, NM_001127667.2, NM_001353063.2 and 13 more transcripts); c.673C>T, p.His225Tyr (NM_001258029.2); c.646C>T, p.His216Tyr (NM_001258030.2); c.694C>T, p.His232Tyr (NM_001353076.2); c.-33C>T (NM_001353078.2); short protein forms H208Y, H216Y, H225Y, H232Y, H244Y, H219Y, H259Y.
Identifiers: ClinVar variation 1935819 (VCV001935819.5), dbSNP rs752607226, ClinGen allele CA5220951.

ClinVar aggregate classification (germline): Uncertain significance (1 of 4 stars; one submission).

Allele frequency attached by ClinVar (database versions not stated): gnomAD exomes below 0.00001; ExAC 0.00001.
gnomAD v4.1: 5 of 1,614,010 alleles (0.00031%); highest among the groups gnomAD compares: Non-Finnish European, 0.00042%; no homozygotes.

Submission:

Labcorp Genetics (formerly Invitae), Labcorp
Classification: Uncertain significance. Last evaluated: 2022-07-01. Review status: criteria provided, single submitter. Criteria: Invitae Variant Classification Sherloc (09022015). Collection method: clinical testing. Allele origin: germline.
Comment: This sequence change replaces histidine, which is basic and polar, with tyrosine, which is neutral and polar, at codon 259 of the GSN protein (p.His259Tyr). In summary, the available evidence is currently insufficient to determine the role of this variant in disease. Therefore, it has been classified as a Variant of Uncertain Significance. Algorithms developed to predict the effect of sequence changes on RNA splicing suggest that this variant may create or strengthen a splice site. Algorithms developed to predict the effect of missense changes on protein structure and function (SIFT, PolyPhen-2, Align-GVGD) all suggest that this variant is likely to be tolerated. This variant has not been reported in the literature in individuals affected with GSN-related conditions. This variant is not present in population databases (gnomAD no frequency).